The following is an entry in ClinVar:

NM_015122.3(FCHO1):c.845G>A (p.Arg282His)

Gene: FCHO1 (FCH and mu domain containing endocytic adaptor 1; plus strand). Cytogenetic location: 19p13.11.
Variant type: single nucleotide variant.
Coding change: c.845G>A on transcript NM_015122.3 (MANE Select); coding-DNA position 845, G replaced by A.
Protein change: p.Arg282His; replaces arginine 282 with histidine.
Molecular consequence: missense variant. On other transcripts: non-coding transcript variant (36).
Genome position (GRCh38, 1-based): chr19:17,774,403, G>A. VCF-style: chr19-17774403-G-A. GRCh37 (hg19) VCF-style: chr19-17885212-G-A.
Other names: c.845G>A, p.Arg282His (NM_001161357.2, NM_001161358.2, NM_001384370.1 and 25 more transcripts); c.695G>A, p.Arg232His (NM_001161359.2, NM_001384384.1, NM_001384385.1 and 3 more transcripts); c.806G>A, p.Arg269His (NM_001384388.1, NM_001384389.1, NM_001384405.1); c.770G>A, p.Arg257His (NM_001384390.1); c.800G>A, p.Arg267His (NM_001384403.1); short protein forms R232H, R269H, R282H, R267H, R257H.
Identifiers: ClinVar variation 1373164 (VCV001373164.5), dbSNP rs777331288, ClinGen allele CA9300270.

ClinVar aggregate classification (germline): Uncertain significance (1 of 4 stars; one submission).

Allele frequency attached by ClinVar (database versions not stated): TOPMed 0.00001.
gnomAD v4.1: 5 of 1,614,038 alleles (0.00031%); highest among the groups gnomAD compares: South Asian, 0.0011%; no homozygotes.

Submission:

Labcorp Genetics (formerly Invitae), Labcorp
Classification: Uncertain significance. Last evaluated: 2025-11-17. Review status: criteria provided, single submitter. Criteria: Invitae Variant Classification Sherloc (09022015). Collection method: clinical testing. Allele origin: germline.
Comment: This sequence change replaces arginine, which is basic and polar, with histidine, which is basic and polar, at codon 282 of the FCHO1 protein (p.Arg282His). This variant is not present in population databases (gnomAD no frequency). This variant has not been reported in the literature in individuals affected with FCHO1-related conditions. ClinVar contains an entry for this variant (Variation ID: 1373164). An algorithm developed to predict the effect of missense changes on protein structure and function (PolyPhen-2) suggests that this variant is likely to be disruptive. In summary, the available evidence is currently insufficient to determine the role of this variant in disease. Therefore, it has been classified as a Variant of Uncertain Significance.